The following is an entry in ClinVar:

ClinVar aggregate classification (germline): Uncertain significance. Review status: criteria provided, multiple submitters, no conflicts (2 of 4 stars). 6 submissions from 6 submitters: Uncertain significance (6). Last evaluated 2025-12-22.

Conditions:
Hereditary cancer-predisposing syndrome. Also called: Tumor predisposition; Hereditary neoplastic syndrome; Hereditary Cancer Syndrome; Neoplastic Syndromes, Hereditary. Identifiers: Orphanet 140162, MedGen C0027672, MeSH D009386, MONDO:0015356.
Familial cancer of breast. Also called: BREAST CANCER, FAMILIAL; hereditary breast carcinoma; Hereditary breast cancer. Identifiers: Orphanet 227535, MedGen C0346153, MONDO:0016419, OMIM 114480. Disease mechanism: loss of function.

Submissions (6):

Ambry Genetics
Classification: Uncertain significance for Hereditary cancer-predisposing syndrome. Last evaluated: 2025-12-22. Review status: criteria provided, single submitter. Criteria: Ambry Variant Classification Scheme 2023. Collection method: clinical testing. Allele origin: germline.
Comment: The p.C74F variant (also known as c.221G>T), located in coding exon 3 of the BARD1 gene, results from a G to T substitution at nucleotide position 221. The cysteine at codon 74 is replaced by phenylalanine, an amino acid with highly dissimilar properties. This amino acid position is highly conserved in available vertebrate species. In addition, this alteration is predicted to be deleterious by in silico analysis. Based on the available evidence, the clinical significance of this variant remains unclear.

Labcorp Genetics (formerly Invitae), Labcorp
Classification: Uncertain significance for Familial cancer of breast. Last evaluated: 2025-06-15. Review status: criteria provided, single submitter. Criteria: Invitae Variant Classification Sherloc (09022015). Collection method: clinical testing. Allele origin: germline.
Comment: This sequence change replaces cysteine, which is neutral and slightly polar, with phenylalanine, which is neutral and non-polar, at codon 74 of the BARD1 protein (p.Cys74Phe). This variant is not present in population databases (gnomAD no frequency). This variant has not been reported in the literature in individuals affected with BARD1-related conditions. ClinVar contains an entry for this variant (Variation ID: 234046). An algorithm developed to predict the effect of missense changes on protein structure and function (PolyPhen-2) suggests that this variant is likely to be disruptive. In summary, the available evidence is currently insufficient to determine the role of this variant in disease. Therefore, it has been classified as a Variant of Uncertain Significance.

GeneDx
Classification: Uncertain significance. Last evaluated: 2024-12-30. Review status: criteria provided, single submitter. Criteria: GeneDx Variant Classification Process June 2021. Collection method: clinical testing. Allele origin: germline. Affected: yes.
Comment: Not observed at significant frequency in large population cohorts (gnomAD); In silico analysis supports that this missense variant has a deleterious effect on protein structure/function; Has not been previously published as pathogenic or benign to our knowledge; This variant is associated with the following publications: (PMID: 18480049)

Quest Diagnostics Nichols Institute San Juan Capistrano
Classification: Uncertain significance. Last evaluated: 2023-02-06. Review status: criteria provided, single submitter. Criteria: Quest Diagnostics criteria. Collection method: clinical testing. Allele origin: unknown.
Comment: The variant has not been reported in the published literature. It also has not been reported in large, multi-ethnic general populations. Analysis of this variant using bioinformatics tools for the prediction of the effect of amino acid changes on protein structure and function yielded predictions that this variant is damaging. Based on the available information, we are unable to determine the clinical significance of this variant.

Color Diagnostics, LLC DBA Color Health
Classification: Uncertain significance for Hereditary cancer-predisposing syndrome. Last evaluated: 2021-08-10. Review status: criteria provided, single submitter. Criteria: ACMG Guidelines, 2015. Collection method: clinical testing. Allele origin: germline.
Comment: This missense variant replaces cysteine with phenylalanine at codon 74 of the BARD1 protein. Computational prediction suggests that this variant may have deleterious impact on protein structure and function (internally defined REVEL score threshold >= 0.7, PMID: 27666373). To our knowledge, functional studies have not been reported for this variant. This variant has not been reported in individuals affected with hereditary cancer in the literature. This variant has not been identified in the general population by the Genome Aggregation Database (gnomAD). The available evidence is insufficient to determine the role of this variant in disease conclusively. Therefore, this variant is classified as a Variant of Uncertain Significance.

Department of Pathology and Laboratory Medicine, Sinai Health System
Classification: Uncertain significance for Familial cancer of breast. Last evaluated: 2019-12-02. Review status: criteria provided, single submitter. Criteria: ACMG Guidelines, 2015. Collection method: clinical testing. Allele origin: germline. Affected: yes.

NM_000465.4(BARD1):c.221G>T (p.Cys74Phe)

Gene: BARD1 (BRCA1 associated RING domain 1; minus strand). Cytogenetic location: 2q35.
Variant type: single nucleotide variant.
Coding change: c.221G>T on transcript NM_000465.4 (MANE Select); coding-DNA position 221, G replaced by T.
Protein change: p.Cys74Phe; replaces cysteine 74 with phenylalanine.
Molecular consequence: missense variant. On other transcripts: non-coding transcript variant (1), intron variant (2).
Genome position (GRCh38, 1-based): chr2:214,792,440, C>A on the plus strand (G>T on the coding strand, the complement: BARD1 is on the minus strand). VCF-style: chr2-214792440-C-A. GRCh37 (hg19) VCF-style: chr2-215657164-C-A.
Other names: c.164G>T, p.Cys55Phe (NM_001282543.2); c.221G>T, p.Cys74Phe (NM_001282549.2); c.158+16972G>T (NM_001282548.2); c.215+4621G>T (NM_001282545.2); short protein forms C74F, C55F.
Identifiers: ClinVar variation 234046 (VCV000234046.25), dbSNP rs876658459, ClinGen allele CA10577855.